The following is an entry in ClinVar:

ClinVar aggregate classification (germline): Likely benign. Review status: criteria provided, single submitter (1 of 4 stars). 2 submissions from 2 submitters: Likely benign (1). 1 of the submissions does not count toward it. Last evaluated 2025-12-01.

Conditions:
SLC10A2-related disorder. Also called: SLC10A2-related condition.

Allele frequency attached by ClinVar (database versions not stated): ExAC 0.00004; gnomAD exomes 0.00005; ESP Exome Variant Server 0.00008; gnomAD 0.00009; TOPMed 0.00015.
gnomAD v4.1: 86 of 1,613,564 alleles (0.0053%); highest among the groups gnomAD compares: African/African-American, 0.029%; no homozygotes.

Submissions (2):

Labcorp Genetics (formerly Invitae), Labcorp
Classification: Likely benign. Last evaluated: 2025-12-01. Review status: criteria provided, single submitter. Criteria: Invitae Variant Classification Sherloc (09022015). Collection method: clinical testing. Allele origin: germline.

PreventionGenetics, part of Exact Sciences
Classification: Likely benign for SLC10A2-related condition. Last evaluated: 2023-05-31. Review status: no assertion criteria provided. Collection method: clinical testing. Allele origin: germline. Not counted in ClinVar's aggregate classification.
Comment: This variant is classified as likely benign based on ACMG/AMP sequence variant interpretation guidelines (Richards et al. 2015 PMID: 25741868, with internal and published modifications).

NM_000452.3(SLC10A2):c.903C>T (p.Ala301=)

Gene: SLC10A2 (solute carrier family 10 member 2; minus strand). Cytogenetic location: 13q33.1.
Variant type: single nucleotide variant.
Coding change: c.903C>T on transcript NM_000452.3 (MANE Select); coding-DNA position 903, C replaced by T.
Protein change: p.Ala301=; no amino-acid change (alanine 301 retained).
Molecular consequence: synonymous variant.
Genome position (GRCh38, 1-based): chr13:103,049,305, G>A on the plus strand (C>T on the coding strand, the complement: SLC10A2 is on the minus strand). VCF-style: chr13-103049305-G-A. GRCh37 (hg19) VCF-style: chr13-103701655-G-A.
Other names: c.903C>T (NM_000452.2).
Identifiers: ClinVar variation 2200016 (VCV002200016.6), dbSNP rs199679714, ClinGen allele CA7042000.
Genomic context (GRCh38, chr13:103,049,305, plus strand): 5'-TTTTTCAAAGATTATCATGAAATGGGATTGGCATGATTCCTTACATCCTAAGAATATTGC[G>A]GCAAAGGCGAGCTGGAAAATGCTGTAGATGAGCGGGAAGGTGAATACGACATTGAGCTCC-3'
Protein context (NP_000443.2, residues 291-311): LIYSIFQLAF[Ala301=]AIFLGFYVAY